The following is an entry in ClinVar:

ClinVar aggregate classification (germline): Uncertain significance (1 of 4 stars; one submission).

Conditions:
Early-infantile DEE. Also called: Early infantile epileptic encephalopathy with suppression bursts; Early infantile epileptic encephalopathy; Ohtahara syndrome. Identifiers: Orphanet 1934, MedGen C0393706, MONDO:0800491.

Allele frequency attached by ClinVar (database versions not stated): gnomAD exomes below 0.00001; TOPMed below 0.00001.

Submission:

Labcorp Genetics (formerly Invitae), Labcorp
Classification: Uncertain significance for Early-infantile DEE. Last evaluated: 2024-10-12. Review status: criteria provided, single submitter. Criteria: Invitae Variant Classification Sherloc (09022015). Collection method: clinical testing. Allele origin: germline.
Comment: This sequence change replaces methionine, which is neutral and non-polar, with valine, which is neutral and non-polar, at codon 169 of the KCNH5 protein (p.Met169Val). This variant is not present in population databases (gnomAD no frequency). This variant has not been reported in the literature in individuals affected with KCNH5-related conditions. Invitae Evidence Modeling of protein sequence and biophysical properties (such as structural, functional, and spatial information, amino acid conservation, physicochemical variation, residue mobility, and thermodynamic stability) indicates that this missense variant is not expected to disrupt KCNH5 protein function with a negative predictive value of 80%. In summary, the available evidence is currently insufficient to determine the role of this variant in disease. Therefore, it has been classified as a Variant of Uncertain Significance.

NM_139318.5(KCNH5):c.505A>G (p.Met169Val)

Gene: KCNH5 (potassium voltage-gated channel subfamily H member 5; minus strand). Cytogenetic location: 14q23.2.
Variant type: single nucleotide variant.
Coding change: c.505A>G on transcript NM_139318.5 (MANE Select); coding-DNA position 505, A replaced by G.
Protein change: p.Met169Val; replaces methionine 169 with valine.
Molecular consequence: missense variant.
Genome position (GRCh38, 1-based): chr14:62,987,116, T>C on the plus strand (A>G on the coding strand, the complement: KCNH5 is on the minus strand). VCF-style: chr14-62987116-T-C. GRCh37 (hg19) VCF-style: chr14-63453834-T-C.
Other names: c.505A>G, p.Met169Val (NM_172375.3); short protein forms M169V.
Identifiers: ClinVar variation 2717013 (VCV002717013.3), dbSNP rs1890724094, ClinGen allele CA390104780.